The following is an entry in ClinVar:

NM_025074.7(FRAS1):c.8690A>T (p.Gln2897Leu)

Gene: FRAS1 (Fraser extracellular matrix complex subunit 1; plus strand). Cytogenetic location: 4q21.21.
Variant type: single nucleotide variant.
Coding change: c.8690A>T on transcript NM_025074.7 (MANE Select); coding-DNA position 8690, A replaced by T.
Protein change: p.Gln2897Leu; replaces glutamine 2897 with leucine.
Molecular consequence: missense variant.
Genome position (GRCh38, 1-based): chr4:78,482,473, A>T. VCF-style: chr4-78482473-A-T. GRCh37 (hg19) VCF-style: chr4-79403627-A-T.
Other names: short protein forms Q2897L.
Identifiers: ClinVar variation 1305342 (VCV001305342.4), dbSNP rs1720040661, ClinGen allele CA357374752.

ClinVar aggregate classification (germline): Uncertain significance. Review status: criteria provided, multiple submitters, no conflicts (2 of 4 stars). 2 submissions from 2 submitters: Uncertain significance (2). Last evaluated 2024-10-14.

Allele frequency attached by ClinVar (database versions not stated): TOPMed below 0.00001; gnomAD exomes 0.00001.
gnomAD v4.1: 4 of 1,613,908 alleles (0.00025%); highest among the groups gnomAD compares: Middle Eastern, 0.049%; no homozygotes.

Submissions (2):

Labcorp Genetics (formerly Invitae), Labcorp
Classification: Uncertain significance. Last evaluated: 2024-10-14. Review status: criteria provided, single submitter. Criteria: Invitae Variant Classification Sherloc (09022015). Collection method: clinical testing. Allele origin: germline.
Comment: This sequence change replaces glutamine, which is neutral and polar, with leucine, which is neutral and non-polar, at codon 2897 of the FRAS1 protein (p.Gln2897Leu). This variant is not present in population databases (gnomAD no frequency). This variant has not been reported in the literature in individuals affected with FRAS1-related conditions. ClinVar contains an entry for this variant (Variation ID: 1305342). Invitae Evidence Modeling of protein sequence and biophysical properties (such as structural, functional, and spatial information, amino acid conservation, physicochemical variation, residue mobility, and thermodynamic stability) indicates that this missense variant is not expected to disrupt FRAS1 protein function with a negative predictive value of 80%. In summary, the available evidence is currently insufficient to determine the role of this variant in disease. Therefore, it has been classified as a Variant of Uncertain Significance.

GeneDx
Classification: Uncertain significance. Last evaluated: 2019-04-19. Review status: criteria provided, single submitter. Criteria: GeneDx Variant Classification Process June 2021. Collection method: clinical testing. Allele origin: germline. Affected: yes.
Comment: Not observed in large population cohorts (Lek et al., 2016); In silico analysis, which includes protein predictors and evolutionary conservation, supports a deleterious effect; Has not been previously published as pathogenic or benign to our knowledge